The following is an entry in ClinVar:

ClinVar aggregate classification (germline): Uncertain significance (1 of 4 stars; one submission).

Conditions:
Hereditary breast ovarian cancer syndrome. Also called: BRCA1- and BRCA2-Associated Hereditary Breast and Ovarian Cancer; Hereditary breast and ovarian cancer syndrome (HBOC); Hereditary breast and ovarian cancer syndrome; Hereditary breast and ovarian cancer; Breast and ovarian cancer; Hereditary breast and/or ovarian cancer syndrome. Identifiers: Orphanet 145, MedGen C0677776, MeSH D061325, MONDO:0003582. Disease mechanism: loss of function.

Submission:

Labcorp Genetics (formerly Invitae), Labcorp
Classification: Uncertain significance for Hereditary breast ovarian cancer syndrome. Last evaluated: 2021-05-18. Review status: criteria provided, single submitter. Criteria: Invitae Variant Classification Sherloc (09022015). Collection method: clinical testing. Allele origin: germline.
Comment: In summary, the available evidence is currently insufficient to determine the role of this variant in disease. Therefore, it has been classified as a Variant of Uncertain Significance. Advanced modeling of protein sequence and biophysical properties (such as structural, functional, and spatial information, amino acid conservation, physicochemical variation, residue mobility, and thermodynamic stability) performed at Invitae indicates that this missense variant is not expected to disrupt BRCA2 protein function. This variant has not been reported in the literature in individuals with BRCA2-related conditions. This variant is not present in population databases (ExAC no frequency). This sequence change replaces histidine with leucine at codon 2440 of the BRCA2 protein (p.His2440Leu). The histidine residue is weakly conserved and there is a moderate physicochemical difference between histidine and leucine.

NM_000059.4(BRCA2):c.7319A>T (p.His2440Leu)

Gene: BRCA2 (BRCA2 DNA repair associated; plus strand). Cytogenetic location: 13q13.1.
Variant type: single nucleotide variant.
Coding change: c.7319A>T on transcript NM_000059.4 (MANE Select); coding-DNA position 7319, A replaced by T.
Protein change: p.His2440Leu; replaces histidine 2440 with leucine.
Molecular consequence: missense variant.
Genome position (GRCh38, 1-based): chr13:32,355,172, A>T. VCF-style: chr13-32355172-A-T. GRCh37 (hg19) VCF-style: chr13-32929309-A-T.
Other names: short protein forms H2440L.
Identifiers: ClinVar variation 1396058 (VCV001396058.8), dbSNP rs4986860, ClinGen allele CA387741081.